The following is an entry in ClinVar:

NM_001039348.3(EFEMP1):c.656C>G (p.Thr219Ser)

Gene: EFEMP1 (EGF-like fibulin extracellular matrix protein 1; minus strand). Cytogenetic location: 2p16.1.
Variant type: single nucleotide variant.
Coding change: c.656C>G on transcript NM_001039348.3 (MANE Select); coding-DNA position 656, C replaced by G.
Protein change: p.Thr219Ser; replaces threonine 219 with serine.
Molecular consequence: missense variant.
Genome position (GRCh38, 1-based): chr2:55,877,850, G>C on the plus strand (C>G on the coding strand, the complement: EFEMP1 is on the minus strand). VCF-style: chr2-55877850-G-C. GRCh37 (hg19) VCF-style: chr2-56104985-G-C.
Other names: c.656C>G, p.Thr219Ser (NM_001039349.3); short protein forms T219S.
Identifiers: ClinVar variation 2809622 (VCV002809622.3), dbSNP rs2465752700, ClinGen allele CA347029378.

ClinVar aggregate classification (germline): Uncertain significance (1 of 4 stars; one submission).

Submission:

Labcorp Genetics (formerly Invitae), Labcorp
Classification: Uncertain significance. Last evaluated: 2022-10-25. Review status: criteria provided, single submitter. Criteria: Invitae Variant Classification Sherloc (09022015). Collection method: clinical testing. Allele origin: germline.
Comment: This sequence change replaces threonine, which is neutral and polar, with serine, which is neutral and polar, at codon 219 of the EFEMP1 protein (p.Thr219Ser). This variant is not present in population databases (gnomAD no frequency). This variant has not been reported in the literature in individuals affected with EFEMP1-related conditions. Advanced modeling of protein sequence and biophysical properties (such as structural, functional, and spatial information, amino acid conservation, physicochemical variation, residue mobility, and thermodynamic stability) performed at Invitae indicates that this missense variant is not expected to disrupt EFEMP1 protein function. Algorithms developed to predict the effect of sequence changes on RNA splicing suggest that this variant may disrupt the consensus splice site. In summary, the available evidence is currently insufficient to determine the role of this variant in disease. Therefore, it has been classified as a Variant of Uncertain Significance.